The following is an entry in ClinVar:

NM_004706.4(ARHGEF1):c.1037T>C (p.Leu346Pro)

Gene: ARHGEF1 (Rho guanine nucleotide exchange factor 1; plus strand). Cytogenetic location: 19q13.2.
Variant type: single nucleotide variant.
Coding change: c.1037T>C on transcript NM_004706.4 (MANE Select); coding-DNA position 1037, T replaced by C.
Protein change: p.Leu346Pro; replaces leucine 346 with proline.
Molecular consequence: missense variant. On other transcripts: non-coding transcript variant (2).
Genome position (GRCh38, 1-based): chr19:41,896,398, T>C. VCF-style: chr19-41896398-T-C. GRCh37 (hg19) VCF-style: chr19-42400471-T-C.
Other names: c.1037T>C, p.Leu346Pro (NM_001396006.1, NM_001396000.1, NM_001396003.1); c.938T>C, p.Leu313Pro (NM_198977.2, NM_001396002.1, NM_001396004.1); c.1082T>C, p.Leu361Pro (NM_199002.2); short protein forms L346P, L361P, L313P.
Identifiers: ClinVar variation 2113644 (VCV002113644.5), dbSNP rs1555847605, ClinGen allele CA406055809.

ClinVar aggregate classification (germline): Uncertain significance. Review status: criteria provided, multiple submitters, no conflicts (2 of 4 stars). 2 submissions from 2 submitters: Uncertain significance (2). Last evaluated 2025-06-01.

Allele frequency attached by ClinVar (database versions not stated): gnomAD exomes 0.00001; TOPMed below 0.00001.
gnomAD v4.1: 16 of 1,442,426 alleles (0.0011%); highest among the groups gnomAD compares: Non-Finnish European, 0.0014%; no homozygotes.

Submissions (2):

Labcorp Genetics (formerly Invitae), Labcorp
Classification: Uncertain significance. Last evaluated: 2025-06-01. Review status: criteria provided, single submitter. Criteria: Invitae Variant Classification Sherloc (09022015). Collection method: clinical testing. Allele origin: germline.
Comment: This sequence change replaces leucine, which is neutral and non-polar, with proline, which is neutral and non-polar, at codon 361 of the ARHGEF1 protein (p.Leu361Pro). This variant is not present in population databases (gnomAD no frequency). This variant has not been reported in the literature in individuals affected with ARHGEF1-related conditions. ClinVar contains an entry for this variant (Variation ID: 2113644). An algorithm developed to predict the effect of missense changes on protein structure and function outputs the following: PolyPhen-2: "Benign". The proline amino acid residue is found in multiple mammalian species, which suggests that this missense change does not adversely affect protein function. In summary, the available evidence is currently insufficient to determine the role of this variant in disease. Therefore, it has been classified as a Variant of Uncertain Significance.

Ambry Genetics
Classification: Uncertain significance. Last evaluated: 2022-12-06. Review status: criteria provided, single submitter. Criteria: Ambry Variant Classification Scheme 2023. Collection method: clinical testing. Allele origin: germline.